The following is an entry in ClinVar:

NM_001378743.1(CYLD):c.1774A>T (p.Lys592Ter)

Gene: CYLD (CYLD lysine 63 deubiquitinase; plus strand). Cytogenetic location: 16q12.1.
Variant type: single nucleotide variant.
Coding change: c.1774A>T on transcript NM_001378743.1 (MANE Select); coding-DNA position 1774, A replaced by T.
Protein change: p.Lys592Ter; replaces lysine 592 with a stop codon.
Molecular consequence: nonsense. On other transcripts: non-coding transcript variant (1).
Genome position (GRCh38, 1-based): chr16:50,782,414, A>T. VCF-style: chr16-50782414-A-T. GRCh37 (hg19) VCF-style: chr16-50816325-A-T.
Other names: c.1765A>T, p.Lys589Ter (NM_001042355.2, NM_001042412.3, NM_001378744.1 and 6 more transcripts); c.1735A>T, p.Lys579Ter (NM_001378751.1, NM_001378752.1, NM_001378753.1); c.1099A>T, p.Lys367Ter (NM_001378754.1, NM_001378755.1); c.1774A>T, p.Lys592Ter (NM_015247.3); short protein forms K367*, K579*, K589*, K592*.
Identifiers: ClinVar variation 4729328 (VCV004729328.1).

ClinVar aggregate classification (germline): Pathogenic (1 of 4 stars; one submission).

Submission:

Labcorp Genetics (formerly Invitae), Labcorp
Classification: Pathogenic. Last evaluated: 2025-10-16. Review status: criteria provided, single submitter. Criteria: Invitae Variant Classification Sherloc (09022015). Collection method: clinical testing. Allele origin: germline.
Comment: This sequence change creates a premature translational stop signal (p.Lys592*) in the CYLD gene. It is expected to result in an absent or disrupted protein product. Loss-of-function variants in CYLD are known to be pathogenic (PMID: 19462465). This variant is not present in population databases (gnomAD no frequency). This variant has not been reported in the literature in individuals affected with CYLD-related conditions. Algorithms developed to predict the effect of sequence changes on RNA splicing suggest that this variant may disrupt the consensus splice site. For these reasons, this variant has been classified as Pathogenic.

Literature cited by the submitters: PubMed 19462465.